The following is an entry in ClinVar:

NM_001283.5(AP1S1):c.186T>G (p.Tyr62Ter)

Genes: AP1S1 (adaptor related protein complex 1 subunit sigma 1; plus strand), LOC126860125 (BRD4-independent group 4 enhancer GRCh37_chr7:100799642-100800841; plus strand). Cytogenetic location: 7q22.1.
Variant type: single nucleotide variant.
Coding change: c.186T>G on transcript NM_001283.5 (MANE Select); coding-DNA position 186, T replaced by G.
Protein change: p.Tyr62Ter; replaces tyrosine 62 with a stop codon.
Molecular consequence: nonsense.
Genome position (GRCh38, 1-based): chr7:101,157,380, T>G. VCF-style: chr7-101157380-T-G. GRCh37 (hg19) VCF-style: chr7-100800661-T-G.
Other names: short protein forms Y62*.
Identifiers: ClinVar variation 620377 (VCV000620377.11), dbSNP rs981747624, ClinGen allele CA368623556.
Genomic context (GRCh38, chr7:101,157,380, plus strand): 5'-GAATGCCTGGGTCCTGAAGCAAGCTTGTAGCGATGTCTCATGCGCTCCTCTCCGCAGATA[T>G]GCCAGCCTCTACTTCTGCTGCGCCATCGAGGGCCAAGACAATGAGCTCATCACACTGGAG-3'

ClinVar aggregate classification (germline): Pathogenic/Likely pathogenic. Review status: criteria provided, multiple submitters, no conflicts (2 of 4 stars). 5 submissions from 5 submitters: Pathogenic (4); Likely pathogenic (1). Last evaluated 2026-01-15.

Conditions:
MEDNIK syndrome (MEDNIK). Also called: ERYTHROKERATODERMIA VARIABILIS, KAMOURASKA TYPE. Identifiers: Orphanet 171851, MedGen C1836330, MONDO:0012251, OMIM 609313.

Submissions (5):

Undiagnosed Diseases Network, NIH
Classification: Pathogenic for MEDNIK syndrome. Last evaluated: 2026-01-15. Review status: criteria provided, single submitter. Criteria: ACMG Guidelines, 2015. Collection method: clinical testing. Allele origin: unknown. Affected: yes. Observed: 1 variant allele, 1 homozygote. Study: Undiagnosed Diseases Network (NIH), UDN.
Comment: This variant has been previously reported in an individual with MEDNIK syndrome (PMID: 37278357). This variant has not been observed in gnomAD. This stop gain variant is located in exon 3 of 5 and is predicted to be deleterious.

Labcorp Genetics (formerly Invitae), Labcorp
Classification: Pathogenic. Last evaluated: 2025-09-28. Review status: criteria provided, single submitter. Criteria: Invitae Variant Classification Sherloc (09022015). Collection method: clinical testing. Allele origin: germline.
Comment: This sequence change creates a premature translational stop signal (p.Tyr62*) in the AP1S1 gene. It is expected to result in an absent or disrupted protein product. Loss-of-function variants in AP1S1 are known to be pathogenic (PMID: 19057675, 23423674). This variant is not present in population databases (gnomAD no frequency). This premature translational stop signal has been observed in individual(s) with clinical features of MEDNIK syndrome (PMID: 37278357). ClinVar contains an entry for this variant (Variation ID: 620377). Algorithms developed to predict the effect of sequence changes on RNA splicing suggest that this variant may create or strengthen a splice site. For these reasons, this variant has been classified as Pathogenic.

Fulgent Genetics
Classification: Pathogenic for MEDNIK syndrome. Last evaluated: 2024-02-21. Review status: criteria provided, single submitter. Criteria: ACMG Guidelines, 2015. Collection method: clinical testing. Allele origin: germline.

GeneDx
Classification: Pathogenic. Last evaluated: 2022-04-12. Review status: criteria provided, single submitter. Criteria: GeneDx Variant Classification Process June 2021. Collection method: clinical testing. Allele origin: germline. Affected: yes.
Comment: Has not been previously published as pathogenic or benign to our knowledge; Nonsense variant predicted to result in protein truncation or nonsense mediated decay in a gene for which loss-of-function is a known mechanism of disease; Not observed at significant frequency in large population cohorts (gnomAD)

Rady Children's Institute for Genomic Medicine, Rady Children's Hospital San Diego
Classification: Likely pathogenic for MENTAL RETARDATION, ENTEROPATHY, DEAFNESS, PERIPHERAL NEUROPATHY, ICHTHYOSIS, AND KERATODERMA. Last evaluated: 2020-06-30. Review status: criteria provided, single submitter. Criteria: ACMG Guidelines, 2015. Collection method: clinical testing. Allele origin: germline. Affected: yes.
Comment: This nonsense variant found in exon 3 of 5 is predicted to result in loss of normal protein function through either protein truncation or nonsense-mediated mRNA decay (NMD). This variant has not been previously reported or functionally characterized in the literature to our knowledge. It is absent from the gnomAD population database and thus is presumed to be rare. Based on the available evidence, the c.186T>G (p.Tyr62Ter) variant is classified as Likely Pathogenic.

Literature cited by the submitters: PubMed 37278357 (cited by Undiagnosed Diseases Network, NIH and Labcorp Genetics (formerly Invitae), Labcorp); PubMed 19057675 (cited by Labcorp Genetics (formerly Invitae), Labcorp); PubMed 23423674 (cited by Labcorp Genetics (formerly Invitae), Labcorp).